The following is an entry in ClinVar:

NM_000431.4(MVK):c.520G>T (p.Val174Phe)

Gene: MVK (mevalonate kinase; plus strand). Cytogenetic location: 12q24.11.
Variant type: single nucleotide variant.
Coding change: c.520G>T on transcript NM_000431.4 (MANE Select); coding-DNA position 520, G replaced by T.
Protein change: p.Val174Phe; replaces valine 174 with phenylalanine.
Molecular consequence: missense variant. On other transcripts: 5 prime UTR variant (1), non-coding transcript variant (3), intron variant (2).
Genome position (GRCh38, 1-based): chr12:109,581,543, G>T. VCF-style: chr12-109581543-G-T. GRCh37 (hg19) VCF-style: chr12-110019348-G-T.
Other names: c.520G>T, p.Val174Phe (NM_001114185.3, NM_001414511.1, NM_001414512.1 and 1 more transcripts); c.-63G>T (NM_001414515.1); c.371+1597G>T (NM_001414514.1, NM_001301182.2); short protein forms V174F.
Identifiers: ClinVar variation 2935253 (VCV002935253.3), dbSNP rs369227329, ClinGen allele CA386646529.

ClinVar aggregate classification (germline): Uncertain significance (1 of 4 stars; one submission).

Conditions:
Porokeratosis 3, disseminated superficial actinic type (POROK3). Also called: POROKERATOSIS, DISSEMINATED SUPERFICIAL ACTINIC, 1; POROKERATOSIS 3, MULTIPLE TYPES; POROKERATOSIS 3, MIBELLI TYPE. Identifiers: MedGen C1867981, MONDO:0008293, OMIM 175900.
Hyperimmunoglobulin D with periodic fever (HIDS). Also called: HYPERIMMUNOGLOBULINEMIA D AND PERIODIC FEVER SYNDROME; Hyperimmunoglobulinemia D; Hyperimmunoglobulinemia D with periodic fever. Identifiers: Orphanet 343, MedGen C0398691, MONDO:0009849, OMIM 260920.
Mevalonic aciduria (MEVA). Identifiers: Orphanet 29, MedGen C1959626, MONDO:0012481, OMIM 610377.

gnomAD v4.1: 1 of 1,614,084 alleles (0.000062%); highest among the groups gnomAD compares: Non-Finnish European, 0.000085%; no homozygotes.

Submission:

Labcorp Genetics (formerly Invitae), Labcorp
Classification: Uncertain significance for Mevalonic aciduria; Hyperimmunoglobulin D with periodic fever; Porokeratosis 3, disseminated superficial actinic type. Last evaluated: 2023-06-15. Review status: criteria provided, single submitter. Criteria: Invitae Variant Classification Sherloc (09022015). Collection method: clinical testing. Allele origin: germline.
Comment: In summary, the available evidence is currently insufficient to determine the role of this variant in disease. Therefore, it has been classified as a Variant of Uncertain Significance. Advanced modeling of protein sequence and biophysical properties (such as structural, functional, and spatial information, amino acid conservation, physicochemical variation, residue mobility, and thermodynamic stability) performed at Invitae indicates that this missense variant is not expected to disrupt MVK protein function. This variant has not been reported in the literature in individuals affected with MVK-related conditions. This variant is present in population databases (no rsID available, gnomAD 0.002%). This sequence change replaces valine, which is neutral and non-polar, with phenylalanine, which is neutral and non-polar, at codon 174 of the MVK protein (p.Val174Phe).